The following is an entry in ClinVar:

ClinVar aggregate classification (germline): Conflicting classifications of pathogenicity. Review status: criteria provided, conflicting classifications (1 of 4 stars). 3 submissions from 3 submitters: Uncertain significance (2); Likely benign (1). Last evaluated 2025-04-14.

Conditions:
Hereditary cancer-predisposing syndrome. Also called: Neoplastic Syndromes, Hereditary; Hereditary Cancer Syndrome; Hereditary neoplastic syndrome; Tumor predisposition. Identifiers: Orphanet 140162, MedGen C0027672, MeSH D009386, MONDO:0015356.
Oligodontia-cancer predisposition syndrome. Also called: TOOTH AGENESIS-COLORECTAL CANCER SYNDROME. Identifiers: Orphanet 300576, MedGen C1837750, MONDO:0012075, OMIM 608615. Disease mechanism: loss of function.

gnomAD v4.1: 8 of 1,614,174 alleles (0.0005%); highest among the groups gnomAD compares: African/African-American, 0.0013%; no homozygotes.

Submissions (3):

Ambry Genetics
Classification: Likely benign for Hereditary cancer-predisposing syndrome. Last evaluated: 2025-04-14. Review status: criteria provided, single submitter. Criteria: Ambry Variant Classification Scheme 2023. Collection method: clinical testing. Allele origin: germline.

Labcorp Genetics (formerly Invitae), Labcorp
Classification: Uncertain significance for Oligodontia-cancer predisposition syndrome. Last evaluated: 2024-01-25. Review status: criteria provided, single submitter. Criteria: Invitae Variant Classification Sherloc (09022015). Collection method: clinical testing. Allele origin: germline.
Comment: This sequence change replaces methionine, which is neutral and non-polar, with threonine, which is neutral and polar, at codon 830 of the AXIN2 protein (p.Met830Thr). This variant is present in population databases (no rsID available, gnomAD 0.002%). This variant has not been reported in the literature in individuals affected with AXIN2-related conditions. ClinVar contains an entry for this variant (Variation ID: 572057). Advanced modeling of protein sequence and biophysical properties (such as structural, functional, and spatial information, amino acid conservation, physicochemical variation, residue mobility, and thermodynamic stability) performed at Invitae indicates that this missense variant is not expected to disrupt AXIN2 protein function with a negative predictive value of 80%. In summary, the available evidence is currently insufficient to determine the role of this variant in disease. Therefore, it has been classified as a Variant of Uncertain Significance.

GeneDx
Classification: Uncertain significance. Last evaluated: 2023-12-01. Review status: criteria provided, single submitter. Criteria: GeneDx Variant Classification Process June 2021. Collection method: clinical testing. Allele origin: germline.
Comment: Not observed at significant frequency in large population cohorts (gnomAD); In silico analysis supports that this missense variant does not alter protein structure/function; Has not been previously published as pathogenic or benign to our knowledge; This variant is associated with the following publications: (PMID: 15735151)

NM_004655.4(AXIN2):c.2489T>C (p.Met830Thr)

Gene: AXIN2 (axin 2; minus strand). Cytogenetic location: 17q24.1.
Variant type: single nucleotide variant.
Coding change: c.2489T>C on transcript NM_004655.4 (MANE Select); coding-DNA position 2489, T replaced by C.
Protein change: p.Met830Thr; replaces methionine 830 with threonine.
Molecular consequence: missense variant.
Genome position (GRCh38, 1-based): chr17:65,530,019, A>G on the plus strand (T>C on the coding strand, the complement: AXIN2 is on the minus strand). VCF-style: chr17-65530019-A-G. GRCh37 (hg19) VCF-style: chr17-63526137-A-G.
Other names: c.2294T>C, p.Met765Thr (NM_001363813.1); c.2489T>C (LRG_296t1); short protein forms M830T, M765T.
Identifiers: ClinVar variation 572057 (VCV000572057.13), dbSNP rs878854727, ClinGen allele CA400674798.
Genomic context (GRCh38, chr17:65,530,019, plus strand): 5'-AAGCCAGACCCCAGGGCTCAATCGATCCGCTCCACTTTGCCCAGAATCCGGCCTTCATAC[A>G]TCGGGAGCACCGTCTCATCCTCCCAGATCTCCTCAAACACCGCTCCACAGGCAAACTCAT-3'
Protein context (NP_004646.3, residues 820-840): EIWEDETVLP[Met830Thr]YEGRILGKVE